The following is an entry in ClinVar:

ClinVar aggregate classification (germline): Uncertain significance. Review status: criteria provided, multiple submitters, no conflicts (2 of 4 stars). 3 submissions from 3 submitters: Uncertain significance (3). Last evaluated 2026-01-07.

Conditions:
Deep venous thrombosis. Also called: Deep vein thrombosis. Identifiers: MedGen C0149871, MeSH D020246, HP:0002625.
Thrombophilia due to protein C deficiency, autosomal dominant. Also called: PROC DEFICIENCY, AUTOSOMAL DOMINANT; PROTEIN C DEFICIENCY, AUTOSOMAL DOMINANT. Identifiers: Orphanet 745, MedGen C2674321, MONDO:0008316, OMIM 176860. Disease mechanism: loss of function.

Allele frequency attached by ClinVar (database versions not stated): TOPMed 0.00003; gnomAD 0.00004; gnomAD exomes 0.00004; ExAC 0.00005.
gnomAD v4.1: 128 of 1,614,004 alleles (0.0079%); highest among the groups gnomAD compares: Non-Finnish European, 0.011%; no homozygotes.

Submissions (3):

Labcorp Genetics (formerly Invitae), Labcorp
Classification: Uncertain significance for Thrombophilia due to protein C deficiency, autosomal dominant. Last evaluated: 2026-01-07. Review status: criteria provided, single submitter. Criteria: Invitae Variant Classification Sherloc (09022015). Collection method: clinical testing. Allele origin: germline.
Comment: This sequence change replaces glutamic acid, which is acidic and polar, with glutamine, which is neutral and polar, at codon 191 of the PROC protein (p.Glu191Gln). This variant is present in population databases (rs777364878, gnomAD 0.009%). This missense change has been observed in individual(s) with thrombotic disease (PMID: 31064749). ClinVar contains an entry for this variant (Variation ID: 627097). An algorithm developed to predict the effect of missense changes on protein structure and function (PolyPhen-2) suggests that this variant is likely to be tolerated. In summary, the available evidence is currently insufficient to determine the role of this variant in disease. Therefore, it has been classified as a Variant of Uncertain Significance.

Blueprint Genetics
Classification: Uncertain significance. Last evaluated: 2022-02-22. Review status: criteria provided, single submitter. Criteria: ACMG Guidelines, 2015. Collection method: clinical testing. Allele origin: germline.

NIHR Bioresource Rare Diseases, University of Cambridge
Classification: Uncertain significance for Deep venous thrombosis. Last evaluated: 2019-02-01. Review status: criteria provided, single submitter. Criteria: ACMG Guidelines, 2015. Collection method: research. Allele origin: unknown. Affected: yes. Observed: 1 heterozygote. Study: ThromboGenomics.

Literature cited by the submitters: PubMed 31064749 (cited by Labcorp Genetics (formerly Invitae), Labcorp and NIHR Bioresource Rare Diseases, University of Cambridge).

NM_000312.4(PROC):c.571G>C (p.Glu191Gln)

Gene: PROC (protein C, inactivator of coagulation factors Va and VIIIa; plus strand). Cytogenetic location: 2q14.3.
Variant type: single nucleotide variant.
Coding change: c.571G>C on transcript NM_000312.4 (MANE Select); coding-DNA position 571, G replaced by C.
Protein change: p.Glu191Gln; replaces glutamic acid 191 with glutamine.
Molecular consequence: missense variant.
Genome position (GRCh38, 1-based): chr2:127,426,120, G>C. VCF-style: chr2-127426120-G-C. GRCh37 (hg19) VCF-style: chr2-128183696-G-C.
Other names: c.754G>C, p.Glu252Gln (NM_001375602.1); c.736G>C, p.Glu246Gln (NM_001375603.1); c.634G>C, p.Glu212Gln (NM_001375604.1); c.673G>C, p.Glu225Gln (NM_001375605.1); c.739G>C, p.Glu247Gln (NM_001375606.1); c.757G>C, p.Glu253Gln (NM_001375607.1); c.514G>C, p.Glu172Gln (NM_001375608.1); c.547G>C, p.Glu183Gln (NM_001375609.1); and 2 more; short protein forms E191Q, E172Q, E183Q, E189Q, E212Q, E225Q, E246Q, E247Q.
Identifiers: ClinVar variation 627097 (VCV000627097.5), dbSNP rs777364878, ClinGen allele CA1859389.